The following is an entry in ClinVar:

NM_021815.5(SLC5A7):c.1113+2T>A

Gene: SLC5A7 (solute carrier family 5 member 7; plus strand). Cytogenetic location: 2q12.3.
Variant type: single nucleotide variant.
Coding change: c.1113+2T>A on transcript NM_021815.5 (MANE Select); the canonical splice donor site of the intron after coding-DNA position 1113, T replaced by A.
Molecular consequence: splice donor variant.
Genome position (GRCh38, 1-based): chr2:108,008,684, T>A. VCF-style: chr2-108008684-T-A. GRCh37 (hg19) VCF-style: chr2-108625140-T-A.
Other names: chr2-108008684-T-A; c.372+2T>A (NM_001305007.3); c.1113+2T>A (NM_001305005.3); c.798+2T>A (NM_001305006.3).
Identifiers: ClinVar variation 1299689 (VCV001299689.1), dbSNP rs2104379614, ClinGen allele CA348113865.

ClinVar aggregate classification (germline): Likely pathogenic (1 of 4 stars; one submission).

Conditions:
Charcot-Marie-Tooth disease type 2. Also called: Charcot-Marie-Tooth type 2. Identifiers: Orphanet 64746, MedGen C0270914, MONDO:0018993.

Submission:

Laboratório de Neurologia Aplicada e Experimental, Faculdade de Medicina de Ribeirao Preto – Universidade de Sao Paulo
Classification: Likely pathogenic for Charcot-Marie-Tooth disease type 2. Last evaluated: 2021-07-20. Review status: criteria provided, single submitter. Criteria: ACMG Guidelines, 2015. Collection method: research. Allele origin: germline. Inheritance: Autosomal recessive inheritance. Affected: yes. Observed: 1 variant allele, 1 homozygote.
Comment: The c.1113+2T>A variant in the SLC5A7 gene has not been reported in the literature in individuals with SLC5A7-related conditions. Variants in this gene are responsible for congenital myasthenic syndrome type 20 (AR-CMS20; OMIM: 617143) and dHMN type VIIA (AD; OMIM: 158580). This variant is in a canonical splice-site and is predicted to affect mRNA splicing, usually leading to a loss of protein function (PMID: 25741868; PMID: 30192042). This variant is not present in population databases (GnomAD and ABraOM), suggesting it is not a common benign variant in these populations. In summary, the c.1113+2T>A variant meets our criteria to be classified as likely pathogenic.

Literature cited by the submitters: PubMed 30192042.